The following is an entry in ClinVar:

NM_153240.5(NPHP3):c.2040del (p.Ile680_Ile681insTer)

Genes: NPHP3 (nephrocystin 3; minus strand), NPHP3-ACAD11 (NPHP3-ACAD11 readthrough (NMD candidate); minus strand). Cytogenetic location: 3q22.1.
Variant type: Deletion.
Coding change: c.2040del on transcript NM_153240.5 (MANE Select); coding-DNA position 2040, one base deleted (T; older notation c.2040delT).
Protein change: p.Ile680_Ile681insTer.
Molecular consequence: frameshift variant. On other transcripts: non-coding transcript variant (1).
Genome position (GRCh38, 1-based): chr3:132,697,308, A deleted on the plus strand (T on the coding strand, the reverse complement: NPHP3 is on the minus strand); the first of 2 consecutive A bases (chr3:132,697,308-132,697,309); deleting either gives the same sequence. VCF-style (leftmost placement, unchanged base first): chr3-132697307-TA-T. GRCh37 (hg19) VCF-style: chr3-132416151-TA-T.
Identifiers: ClinVar variation 1074908 (VCV001074908.7), dbSNP rs757578685, ClinGen allele CA2622135.
Genomic context (GRCh38, chr3:132,697,307, plus strand): 5'-GAAAAATACACACCTGCTCTTTACTCAATTTAATGTCTACAGAGTGGCATTCTGCAATTA[TA>T]ATAGATTTTGCATCTTTTGGACTTAAGGGATCAAGATGAAGTGTAGGCCACAACCTTTTA-3'

ClinVar aggregate classification (germline): Pathogenic (1 of 4 stars; one submission).

Conditions:
Nephronophthisis. Also called: Juvenile Nephronophthisis. Identifiers: Orphanet 655, MedGen C0687120, MONDO:0019005, HP:0000090.

Submission:

Labcorp Genetics (formerly Invitae), Labcorp
Classification: Pathogenic for Nephronophthisis. Last evaluated: 2026-01-12. Review status: criteria provided, single submitter. Criteria: Invitae Variant Classification Sherloc (09022015). Collection method: clinical testing. Allele origin: germline.
Comment: This sequence change creates a premature translational stop signal (p.Ile681*) in the NPHP3 gene. It is expected to result in an absent or disrupted protein product. Loss-of-function variants in NPHP3 are known to be pathogenic (PMID: 18371931, 23559409). This variant is present in population databases (rs757578685, gnomAD 0.0009%). This variant has not been reported in the literature in individuals affected with NPHP3-related conditions. ClinVar contains an entry for this variant (Variation ID: 1074908). For these reasons, this variant has been classified as Pathogenic.

Literature cited by the submitters: PubMed 18371931; PubMed 23559409.